The following is an entry in ClinVar:

NM_182961.4(SYNE1):c.17967C>A (p.Ser5989Arg)

Gene: SYNE1 (spectrin repeat containing nuclear envelope protein 1; minus strand). Cytogenetic location: 6q25.2.
Variant type: single nucleotide variant.
Coding change: c.17967C>A on transcript NM_182961.4 (MANE Select); coding-DNA position 17967, C replaced by A.
Protein change: p.Ser5989Arg; replaces serine 5989 with arginine.
Molecular consequence: missense variant.
Genome position (GRCh38, 1-based): chr6:152,293,633, G>T on the plus strand (C>A on the coding strand, the complement: SYNE1 is on the minus strand). VCF-style: chr6-152293633-G-T. GRCh37 (hg19) VCF-style: chr6-152614768-G-T.
Other names: c.17754C>A, p.Ser5918Arg (NM_033071.5); short protein forms S5989R, S5918R.
Identifiers: ClinVar variation 1525837 (VCV001525837.6), dbSNP rs2153782971, ClinGen allele CA366099933.

ClinVar aggregate classification (germline): Uncertain significance (1 of 4 stars; one submission).

Conditions:
Emery-Dreifuss muscular dystrophy 4, autosomal dominant (EDMD4). Also called: EMERY-DREIFUSS MUSCULAR DYSTROPHY 4 WITH VARIABLE FEATURES. Identifiers: Orphanet 261, MedGen C2751807, MONDO:0013071, OMIM 612998.
Autosomal recessive ataxia, Beauce type. Also called: Spinocerebellar ataxia, autosomal recessive 8; ATAXIA, RECESSIVE, OF BEAUCE; SYNE1 Deficiency; SYNE1-Related Autosomal Recessive Cerebellar Ataxia. Identifiers: Orphanet 88644, MedGen C1853116, MONDO:0012549, OMIM 610743.

Submission:

Labcorp Genetics (formerly Invitae), Labcorp
Classification: Uncertain significance for Emery-Dreifuss muscular dystrophy 4, autosomal dominant; Autosomal recessive ataxia, Beauce type. Last evaluated: 2021-12-15. Review status: criteria provided, single submitter. Criteria: Invitae Variant Classification Sherloc (09022015). Collection method: clinical testing. Allele origin: germline.
Comment: Algorithms developed to predict the effect of missense changes on protein structure and function (SIFT, PolyPhen-2, Align-GVGD) all suggest that this variant is likely to be disruptive. In summary, the available evidence is currently insufficient to determine the role of this variant in disease. Therefore, it has been classified as a Variant of Uncertain Significance. This variant has not been reported in the literature in individuals affected with SYNE1-related conditions. This variant is not present in population databases (gnomAD no frequency). This sequence change replaces serine, which is neutral and polar, with arginine, which is basic and polar, at codon 5918 of the SYNE1 protein (p.Ser5918Arg).